The following is an entry in ClinVar:

NM_000038.6(APC):c.2374A>C (p.Lys792Gln)

Gene: APC (APC regulator of Wnt signaling pathway; plus strand). Cytogenetic location: 5q22.2.
Variant type: single nucleotide variant.
Coding change: c.2374A>C on transcript NM_000038.6 (MANE Select); coding-DNA position 2374, A replaced by C.
Protein change: p.Lys792Gln; replaces lysine 792 with glutamine.
Molecular consequence: missense variant.
Genome position (GRCh38, 1-based): chr5:112,837,968, A>C. VCF-style: chr5-112837968-A-C. GRCh37 (hg19) VCF-style: chr5-112173665-A-C.
Other names: c.2374A>C, p.Lys792Gln (NM_001127510.3, NM_001354895.2, NM_001407450.1); c.2320A>C, p.Lys774Gln (NM_001127511.3); c.2428A>C, p.Lys810Gln (NM_001354896.2, NM_001407447.1, NM_001407448.1 and 1 more transcripts); c.2404A>C, p.Lys802Gln (NM_001354897.2); c.2299A>C, p.Lys767Gln (NM_001354898.2); c.2290A>C, p.Lys764Gln (NM_001354899.2); c.2251A>C, p.Lys751Gln (NM_001354900.2); c.2197A>C, p.Lys733Gln (NM_001354901.2, NM_001407453.1); and 11 more; short protein forms K408Q, K509Q, K632Q, K663Q, K666Q, K691Q, K701Q, K709Q.
Identifiers: ClinVar variation 2439140 (VCV002439140.7), dbSNP rs1161062254, ClinGen allele CA16026545.

ClinVar aggregate classification (germline): Uncertain significance. Review status: criteria provided, multiple submitters, no conflicts (2 of 4 stars). 3 submissions from 3 submitters: Uncertain significance (3). Last evaluated 2024-02-11.

Conditions:
Familial adenomatous polyposis 1 (FAP1). Also called: FAMILIAL ADENOMATOUS POLYPOSIS 1, ATTENUATED; POLYPOSIS, ADENOMATOUS INTESTINAL. Identifiers: MedGen C2713442, MONDO:0021056, OMIM 175100. Disease mechanism: loss of function.

Submissions (3):

Labcorp Genetics (formerly Invitae), Labcorp
Classification: Uncertain significance for Familial adenomatous polyposis 1. Last evaluated: 2024-02-11. Review status: criteria provided, single submitter. Criteria: Invitae Variant Classification Sherloc (09022015). Collection method: clinical testing. Allele origin: germline.
Comment: This sequence change replaces lysine, which is basic and polar, with glutamine, which is neutral and polar, at codon 792 of the APC protein (p.Lys792Gln). This variant is not present in population databases (gnomAD no frequency). This variant has not been reported in the literature in individuals affected with APC-related conditions. ClinVar contains an entry for this variant (Variation ID: 2439140). Advanced modeling of protein sequence and biophysical properties (such as structural, functional, and spatial information, amino acid conservation, physicochemical variation, residue mobility, and thermodynamic stability) performed at Invitae indicates that this missense variant is not expected to disrupt APC protein function with a negative predictive value of 95%. In summary, the available evidence is currently insufficient to determine the role of this variant in disease. Therefore, it has been classified as a Variant of Uncertain Significance.

GeneDx
Classification: Uncertain significance. Last evaluated: 2023-11-20. Review status: criteria provided, single submitter. Criteria: GeneDx Variant Classification Process June 2021. Collection method: clinical testing. Allele origin: germline. Affected: yes.
Comment: Not observed at significant frequency in large population cohorts (gnomAD); In silico analysis supports that this missense variant does not alter protein structure/function; Has not been previously published as pathogenic or benign to our knowledge

Revvity Omics, Revvity
Classification: Uncertain significance. Last evaluated: 2019-06-20. Review status: criteria provided, single submitter. Criteria: ACMG Guidelines, 2015. Collection method: clinical testing. Allele origin: germline.